The following is an entry in ClinVar:

NM_001005273.3(CHD3):c.2896C>T (p.Arg966Trp)

Gene: CHD3 (chromodomain helicase DNA binding protein 3; plus strand). Cytogenetic location: 17p13.1.
Variant type: single nucleotide variant.
Coding change: c.2896C>T on transcript NM_001005273.3 (MANE Select); coding-DNA position 2896, C replaced by T.
Protein change: p.Arg966Trp; replaces arginine 966 with tryptophan.
Molecular consequence: missense variant.
Genome position (GRCh38, 1-based): chr17:7,900,649, C>T. VCF-style: chr17-7900649-C-T. GRCh37 (hg19) VCF-style: chr17-7803967-C-T.
Other names: c.3073C>T, p.Arg1025Trp (NM_001005271.3); c.2896C>T, p.Arg966Trp (NM_005852.4); short protein forms R1025W, R966W.
Identifiers: ClinVar variation 422607 (VCV000422607.11), dbSNP rs1064795892, ClinGen allele CA16620643.
Genomic context (GRCh38, chr17:7,900,649, plus strand): 5'-GACATATCCAAAGAGGACCAGATCAAGAAACTGCATGATTTGCTGGGGCCACACATGCTG[C>T]GGAGACTCAAGGCAGATGTCTTTAAGAACATGCCAGCCAAGACAGAGCTCATCGTTCGGG-3'
Protein context (NP_001005273.1, residues 956-976): LHDLLGPHML[Arg966Trp]RLKADVFKNM

ClinVar aggregate classification (germline): Pathogenic. Review status: criteria provided, multiple submitters, no conflicts (2 of 4 stars). 3 submissions from 3 submitters: Pathogenic (2). 1 of the submissions does not count toward it. Last evaluated 2026-06-03.

Conditions:
CHD3-related disorder. Also called: CHD3-related condition.
Inborn genetic diseases. Identifiers: MedGen C0950123, MeSH D030342.
Snijders Blok-Campeau syndrome. Also called: INTELLECTUAL DEVELOPMENTAL DISORDER WITH MACROCEPHALY, SPEECH DELAY, AND DYSMORPHIC FACIES. Identifiers: Orphanet 599082, MedGen C4748701, MONDO:0032600, OMIM 618205.

Submissions (3):

Ambry Genetics
Classification: Pathogenic for Inborn genetic diseases. Last evaluated: 2026-06-03. Review status: criteria provided, single submitter. Criteria: Ambry Variant Classification Scheme 2023. Collection method: clinical testing. Allele origin: germline.
Comment: The c.3073C>T (p.R1025W) alteration is located in exon 18 (coding exon 18) of the CHD3 gene. This alteration results from a C to T substitution at nucleotide position 3073, causing the arginine (R) at amino acid position 1025 to be replaced by a tryptophan (W). This variant was not reported in population-based cohorts in the Genome Aggregation Database (gnomAD). This variant has been determined to be the result of a de novo mutation in multiple individuals with features consistent with Snijders Blok-Campeau syndrome (Drivas, 2020; Mizukami, 2021; external communication). Other variant(s) at the same codon, c.3074G>A (p.R1025Q), have been detected in two individuals with features consistent with Snijders Blok-Campeau syndrome (van der Sanden, 2023; Ambry internal data). This amino acid position is highly conserved in available vertebrate species. This missense alteration is located in a region that has a low rate of benign missense variation (Lek, 2016; Firth, 2009). This alteration is predicted to be deleterious by in silico analysis. Based on the available evidence, this alteration is classified as pathogenic.

GeneDx
Classification: Pathogenic. Last evaluated: 2022-11-23. Review status: criteria provided, single submitter. Criteria: GeneDx Variant Classification Process June 2021. Collection method: clinical testing. Allele origin: germline. Affected: yes.
Comment: Not observed at significant frequency in large population cohorts (gnomAD); In silico analysis supports that this missense variant has a deleterious effect on protein structure/function; Also known as c.2896C>T p.(R966W) due to alternate nomenclature; This variant is associated with the following publications: (PMID: 32483341, 33358638)

Centre de Biologie Pathologie Génétique, Centre Hospitalier Universitaire de Lille
Classification: Likely pathogenic for SNIJDERS BLOK-CAMPEAU SYNDROME. Last evaluated: 2019-01-01. Review status: no assertion criteria provided. Collection method: clinical testing. Allele origin: unknown. Affected: yes. Not counted in ClinVar's aggregate classification.

Literature cited by the submitters: PubMed 32483341 (cited by Ambry Genetics); PubMed 33358638 (cited by Ambry Genetics); PubMed 36114283 (cited by Ambry Genetics).